The following is an entry in ClinVar:

NM_000327.4(ROM1):c.292G>A (p.Gly98Arg)

Gene: ROM1 (retinal outer segment membrane protein 1; plus strand). Cytogenetic location: 11q12.3.
Variant type: single nucleotide variant.
Coding change: c.292G>A on transcript NM_000327.4 (MANE Select); coding-DNA position 292, G replaced by A.
Protein change: p.Gly98Arg; replaces glycine 98 with arginine.
Molecular consequence: missense variant.
Genome position (GRCh38, 1-based): chr11:62,613,573, G>A. VCF-style: chr11-62613573-G-A. GRCh37 (hg19) VCF-style: chr11-62381045-G-A.
Other names: short protein forms G98R.
Identifiers: ClinVar variation 1064244 (VCV001064244.9), dbSNP rs746923377, ClinGen allele CA6049692.
Genomic context (GRCh38, chr11:62,613,573, plus strand): 5'-CTAGTGGGTGTAGGAGCCAGCCGGGCAAGTCTGAATGCAGCTCTATACCCTCCCTGGCGA[G>A]GGGTCCTGGGCCCGCTGCTGGTGGCTGGCACGGCTGGTGGGGGGGGGCTCCTGGTCGTCG-3'
Protein context (NP_000318.2, residues 88-108): LNAALYPPWR[Gly98Arg]VLGPLLVAGT

ClinVar aggregate classification (germline): Uncertain significance (1 of 4 stars; one submission).

Allele frequency attached by ClinVar (database versions not stated): gnomAD exomes below 0.00001; ExAC 0.00001; TOPMed 0.00002.

Submission:

Labcorp Genetics (formerly Invitae), Labcorp
Classification: Uncertain significance. Last evaluated: 2023-08-04. Review status: criteria provided, single submitter. Criteria: Invitae Variant Classification Sherloc (09022015). Collection method: clinical testing. Allele origin: germline.
Comment: This variant has not been reported in the literature in individuals affected with ROM1-related conditions. In summary, the available evidence is currently insufficient to determine the role of this variant in disease. Therefore, it has been classified as a Variant of Uncertain Significance. Advanced modeling of protein sequence and biophysical properties (such as structural, functional, and spatial information, amino acid conservation, physicochemical variation, residue mobility, and thermodynamic stability) performed at Invitae indicates that this missense variant is not expected to disrupt ROM1 protein function. ClinVar contains an entry for this variant (Variation ID: 1064244). This variant is present in population databases (rs746923377, gnomAD 0.002%). This sequence change replaces glycine, which is neutral and non-polar, with arginine, which is basic and polar, at codon 98 of the ROM1 protein (p.Gly98Arg).